The following is an entry in ClinVar:

ClinVar aggregate classification (germline): Conflicting classifications of pathogenicity. Review status: criteria provided, conflicting classifications (1 of 4 stars). 2 submissions from 2 submitters: Uncertain significance (1); Likely benign (1). Last evaluated 2025-06-07.

Allele frequency attached by ClinVar (database versions not stated): gnomAD exomes 0.00013; ESP Exome Variant Server 0.00015; gnomAD 0.00015; TOPMed 0.00015; 1000 Genomes Project 30x 0.00016; ExAC 0.00018; 1000 Genomes Project 0.00020.
gnomAD v4.1: 213 of 1,613,774 alleles (0.013%); highest among the groups gnomAD compares: Middle Eastern, 0.05%; no homozygotes.

Submissions (2):

Ambry Genetics
Classification: Uncertain significance. Last evaluated: 2025-06-07. Review status: criteria provided, single submitter. Criteria: Ambry Variant Classification Scheme 2023. Collection method: clinical testing. Allele origin: germline.

CeGaT Center for Human Genetics Tuebingen
Classification: Likely benign. Last evaluated: 2024-07-01. Review status: criteria provided, single submitter. Criteria: CeGaT Center For Human Genetics Tuebingen Variant Classification Criteria Version 2. Collection method: clinical testing. Allele origin: germline. Affected: yes. Observed: 1 variant allele.
Comment: NUMA1: BS2

NM_006185.4(NUMA1):c.5284C>T (p.Arg1762Cys)

Genes: IL18BP (interleukin 18 binding protein; plus strand), NUMA1 (nuclear mitotic apparatus protein 1; minus strand). Cytogenetic location: 11q13.4.
Variant type: single nucleotide variant.
Coding change: c.5284C>T on transcript NM_006185.4 (MANE Select); coding-DNA position 5284, C replaced by T.
Protein change: p.Arg1762Cys; replaces arginine 1762 with cysteine.
Molecular consequence: missense variant. On other transcripts: non-coding transcript variant (1).
Genome position (GRCh38, 1-based): chr11:72,007,368, G>A on the plus strand (C>T on the coding strand, the complement: NUMA1 is on the minus strand). VCF-style: chr11-72007368-G-A. GRCh37 (hg19) VCF-style: chr11-71718414-G-A.
Other names: c.5242C>T, p.Arg1748Cys (NM_001286561.2); short protein forms R1748C, R1762C.
Identifiers: ClinVar variation 3202907 (VCV003202907.18), dbSNP rs200233406, ClinGen allele CA6166782.